The following is an entry in ClinVar:

ClinVar aggregate classification (germline): Likely pathogenic (1 of 4 stars; one submission).

Submission:

Labcorp Genetics (formerly Invitae), Labcorp
Classification: Likely pathogenic. Last evaluated: 2023-05-20. Review status: criteria provided, single submitter. Criteria: Invitae Variant Classification Sherloc (09022015). Collection method: clinical testing. Allele origin: germline.
Comment: In summary, the currently available evidence indicates that the variant is pathogenic, but additional data are needed to prove that conclusively. Therefore, this variant has been classified as Likely Pathogenic. This variant disrupts the p.Met105 amino acid residue in FZD4. Other variant(s) that disrupt this residue have been determined to be pathogenic (PMID: 14507768, 17955262, 24744206, 30452590, 31294129). This suggests that this residue is clinically significant, and that variants that disrupt this residue are likely to be disease-causing. Experimental studies have shown that this missense change affects FZD4 function (PMID: 24744206). Advanced modeling of protein sequence and biophysical properties (such as structural, functional, and spatial information, amino acid conservation, physicochemical variation, residue mobility, and thermodynamic stability) has been performed at Invitae for this missense variant, however the output from this modeling did not meet the statistical confidence thresholds required to predict the impact of this variant on FZD4 protein function. This missense change has been observed in individual(s) with familial exudative vitreoretinopathy (PMID: 15223780). This variant is not present in population databases (gnomAD no frequency). This sequence change replaces methionine, which is neutral and non-polar, with threonine, which is neutral and polar, at codon 105 of the FZD4 protein (p.Met105Thr).

Literature cited by the submitters: PubMed 14507768; PubMed 17955262; PubMed 24744206; PubMed 30452590; PubMed 31294129; PubMed 15223780.

NM_012193.4(FZD4):c.314T>C (p.Met105Thr)

Genes: PRSS23 (serine protease 23; plus strand), FZD4 (frizzled class receptor 4; minus strand). Cytogenetic location: 11q14.2.
Variant type: single nucleotide variant.
Coding change: c.314T>C on transcript NM_012193.4 (MANE Select); coding-DNA position 314, T replaced by C.
Protein change: p.Met105Thr; replaces methionine 105 with threonine.
Molecular consequence: missense variant. On other transcripts: non-coding transcript variant (2).
Genome position (GRCh38, 1-based): chr11:86,952,442, A>G on the plus strand (T>C on the coding strand, the complement: FZD4 is on the minus strand). VCF-style: chr11-86952442-A-G. GRCh37 (hg19) VCF-style: chr11-86663484-A-G.
Other names: short protein forms M105T.
Identifiers: ClinVar variation 2735717 (VCV002735717.3), dbSNP rs80358285, ClinGen allele CA225381703.